The following is an entry in ClinVar:

ClinVar aggregate classification (germline): Uncertain significance (1 of 4 stars; one submission).

Conditions:
Hereditary cancer-predisposing syndrome. Also called: Neoplastic Syndromes, Hereditary; Tumor predisposition; Hereditary Cancer Syndrome; Hereditary neoplastic syndrome. Identifiers: Orphanet 140162, MedGen C0027672, MeSH D009386, MONDO:0015356.

Submission:

Color Diagnostics, LLC DBA Color Health
Classification: Uncertain significance for Hereditary cancer-predisposing syndrome. Last evaluated: 2024-03-06. Review status: criteria provided, single submitter. Criteria: ACMG Guidelines, 2015. Collection method: clinical testing. Allele origin: germline.
Comment: This missense variant replaces alanine with valine at codon 60 of the BRIP1 protein. Computational prediction tool suggests that this variant may not impact protein structure and function (internally defined REVEL score threshold <=0.5, PMID: 27666373). Splice site prediction tools suggest that this variant may not impact RNA splicing. To our knowledge, functional studies have not been performed for this variant. This variant has not been reported in individuals affected with hereditary cancer in the literature. This variant has not been identified in the general population by the Genome Aggregation Database (gnomAD). The available evidence is insufficient to determine the role of this variant in disease conclusively. Therefore, this variant is classified as a Variant of Uncertain Significance.

NM_032043.3(BRIP1):c.179C>T (p.Ala60Val)

Gene: BRIP1 (BRCA1 interacting DNA helicase 1; minus strand). Cytogenetic location: 17q23.2.
Variant type: single nucleotide variant.
Coding change: c.179C>T on transcript NM_032043.3 (MANE Select); coding-DNA position 179, C replaced by T.
Protein change: p.Ala60Val; replaces alanine 60 with valine.
Molecular consequence: missense variant.
Genome position (GRCh38, 1-based): chr17:61,859,822, G>A on the plus strand (C>T on the coding strand, the complement: BRIP1 is on the minus strand). VCF-style: chr17-61859822-G-A. GRCh37 (hg19) VCF-style: chr17-59937183-G-A.
Other names: short protein forms A60V.
Identifiers: ClinVar variation 923348 (VCV000923348.4), dbSNP rs2078949344, ClinGen allele CA400485699.